The following is an entry in ClinVar:

NM_001166108.2(PALLD):c.2708A>G (p.His903Arg)

Genes: CBR4 (carbonyl reductase 4; minus strand), PALLD (palladin, cytoskeletal associated protein; plus strand). Cytogenetic location: 4q32.3.
Variant type: single nucleotide variant.
Coding change: c.2708A>G on transcript NM_001166108.2 (MANE Select); coding-DNA position 2708, A replaced by G.
Protein change: p.His903Arg; replaces histidine 903 with arginine.
Molecular consequence: missense variant.
Genome position (GRCh38, 1-based): chr4:168,914,012, A>G. VCF-style: chr4-168914012-A-G. GRCh37 (hg19) VCF-style: chr4-169835163-A-G.
Other names: c.1196A>G (NM_001166110.1); c.1511A>G, p.His504Arg (NM_001166109.2); c.1196A>G, p.His399Arg (NM_001166110.2); c.536A>G, p.His179Arg (NM_001367567.1, NM_001367569.1); c.587A>G, p.His196Arg (NM_001367568.1, NM_001367570.1); c.2657A>G, p.His886Arg (NM_016081.4); short protein forms H179R, H399R, H903R, H196R, H504R, H886R.
Identifiers: ClinVar variation 2806716 (VCV002806716.4), dbSNP rs2534044427, ClinGen allele CA358705356.

ClinVar aggregate classification (germline): Uncertain significance. Review status: criteria provided, multiple submitters, no conflicts (2 of 4 stars). 2 submissions from 2 submitters: Uncertain significance (2). Last evaluated 2026-08-23.

Conditions:
Pancreatic adenocarcinoma. Identifiers: MedGen C0281361, MONDO:0006047, HP:0006725.

Allele frequency attached by ClinVar (database versions not stated): gnomAD exomes below 0.00001.
gnomAD v4.1: 1 of 1,591,286 alleles (0.000063%); highest among the groups gnomAD compares: Non-Finnish European, 0.000086%; no homozygotes.

Submissions (2):

Ambry Genetics
Classification: Uncertain significance. Last evaluated: 2026-08-23. Review status: criteria provided, single submitter. Criteria: Ambry Variant Classification Scheme 2023. Collection method: clinical testing. Allele origin: germline.
Comment: The p.H399R variant (also known as c.1196A>G), located in coding exon 6 of the PALLD gene, results from an A to G substitution at nucleotide position 1196. The histidine at codon 399 is replaced by arginine, an amino acid with highly similar properties. This amino acid position is conserved. In addition, the in silico prediction for this alteration is inconclusive. Based on the available evidence, the clinical significance of this variant remains unclear.

Labcorp Genetics (formerly Invitae), Labcorp
Classification: Uncertain significance for Pancreatic adenocarcinoma. Last evaluated: 2023-02-27. Review status: criteria provided, single submitter. Criteria: Invitae Variant Classification Sherloc (09022015). Collection method: clinical testing. Allele origin: germline.
Comment: This variant is not present in population databases (gnomAD no frequency). This variant has not been reported in the literature in individuals affected with PALLD-related conditions. An algorithm developed to predict the effect of missense changes on protein structure and function (PolyPhen-2) suggests that this variant is likely to be tolerated. In summary, the available evidence is currently insufficient to determine the role of this variant in disease. Therefore, it has been classified as a Variant of Uncertain Significance. This sequence change replaces histidine, which is basic and polar, with arginine, which is basic and polar, at codon 399 of the PALLD protein (p.His399Arg).